The following is an entry in ClinVar:

ClinVar aggregate classification (germline): Uncertain significance (1 of 4 stars; one submission).

gnomAD v4.1: 1 of 1,538,508 alleles (0.000065%); highest among the groups gnomAD compares: South Asian, 0.0012%; no homozygotes.

Submission:

GeneDx
Classification: Uncertain significance. Last evaluated: 2026-01-21. Review status: criteria provided, single submitter. Criteria: GeneDx Variant Classification Process June 2021. Collection method: clinical testing. Allele origin: germline.
Comment: Not observed at significant frequency in large population cohorts (gnomAD); In silico analysis supports that this missense variant has a deleterious effect on protein structure/function; Has not been previously published as pathogenic or benign to our knowledge

NM_030632.3(ASXL3):c.241C>T (p.Leu81Phe)

Gene: ASXL3 (ASXL transcriptional regulator 3; plus strand). Cytogenetic location: 18q12.1.
Variant type: single nucleotide variant.
Coding change: c.241C>T on transcript NM_030632.3 (MANE Select); coding-DNA position 241, C replaced by T.
Protein change: p.Leu81Phe; replaces leucine 81 with phenylalanine.
Molecular consequence: missense variant.
Genome position (GRCh38, 1-based): chr18:33,644,997, C>T. VCF-style: chr18-33644997-C-T. GRCh37 (hg19) VCF-style: chr18-31224961-C-T.
Other names: short protein forms L81F.
Identifiers: ClinVar variation 4975450 (VCV004975450.1).